The following is an entry in ClinVar:

NM_152468.5(TMC8):c.1912G>A (p.Glu638Lys)

Gene: TMC8 (transmembrane channel like 8; plus strand). Cytogenetic location: 17q25.3.
Variant type: single nucleotide variant.
Coding change: c.1912G>A on transcript NM_152468.5 (MANE Select); coding-DNA position 1912, G replaced by A.
Protein change: p.Glu638Lys; replaces glutamic acid 638 with lysine.
Molecular consequence: missense variant.
Genome position (GRCh38, 1-based): chr17:78,140,843, G>A. VCF-style: chr17-78140843-G-A. GRCh37 (hg19) VCF-style: chr17-76136924-G-A.
Other names: short protein forms E638K.
Identifiers: ClinVar variation 1350899 (VCV001350899.8), dbSNP rs373080751, ClinGen allele CA401253935.

ClinVar aggregate classification (germline): Uncertain significance (1 of 4 stars; one submission).

Conditions:
Epidermodysplasia verruciformis. Identifiers: Orphanet 302, MedGen C0014522, MONDO:0009176.

gnomAD v4.1: 2 of 1,608,616 alleles (0.00012%); highest among the groups gnomAD compares: Non-Finnish European, 0.00017%; no homozygotes.

Submission:

Labcorp Genetics (formerly Invitae), Labcorp
Classification: Uncertain significance for Epidermodysplasia verruciformis. Last evaluated: 2021-05-03. Review status: criteria provided, single submitter. Criteria: Invitae Variant Classification Sherloc (09022015). Collection method: clinical testing. Allele origin: germline.
Comment: In summary, the available evidence is currently insufficient to determine the role of this variant in disease. Therefore, it has been classified as a Variant of Uncertain Significance. Algorithms developed to predict the effect of missense changes on protein structure and function are either unavailable or do not agree on the potential impact of this missense change (SIFT: "Deleterious"; PolyPhen-2: "Possibly Damaging"; Align-GVGD: "Class C15"). This variant has not been reported in the literature in individuals with TMC8-related conditions. This variant is not present in population databases (ExAC no frequency). This sequence change replaces glutamic acid with lysine at codon 638 of the TMC8 protein (p.Glu638Lys). The glutamic acid residue is moderately conserved and there is a small physicochemical difference between glutamic acid and lysine.